The following is an entry in ClinVar:

NM_000807.4(GABRA2):c.1177A>T (p.Thr393Ser)

Gene: GABRA2 (gamma-aminobutyric acid type A receptor subunit alpha2; minus strand). Cytogenetic location: 4p12.
Variant type: single nucleotide variant.
Coding change: c.1177A>T on transcript NM_000807.4 (MANE Select); coding-DNA position 1177, A replaced by T.
Protein change: p.Thr393Ser; replaces threonine 393 with serine.
Molecular consequence: missense variant.
Genome position (GRCh38, 1-based): chr4:46,250,487, T>A on the plus strand (A>T on the coding strand, the complement: GABRA2 is on the minus strand). VCF-style: chr4-46250487-T-A. GRCh37 (hg19) VCF-style: chr4-46252504-T-A.
Other names: c.1177A>T, p.Thr393Ser (NM_001114175.3, NM_001377146.1, NM_001377147.1 and 4 more transcripts); c.1192A>T, p.Thr398Ser (NM_001286827.3); c.1357A>T, p.Thr453Ser (NM_001330690.2, NM_001377144.1, NM_001377145.1); c.1012A>T, p.Thr338Ser (NM_001377152.1, NM_001377153.1, NM_001377154.1); short protein forms T338S, T393S, T398S, T453S.
Identifiers: ClinVar variation 3369034 (VCV003369034.1).

ClinVar aggregate classification (germline): Uncertain significance (1 of 4 stars; one submission).

Submission:

GeneDx
Classification: Uncertain significance. Last evaluated: 2024-02-07. Review status: criteria provided, single submitter. Criteria: GeneDx Variant Classification Process June 2021. Collection method: clinical testing. Allele origin: germline. Affected: yes.
Comment: Not observed at significant frequency in large population cohorts (gnomAD); In silico analysis supports that this missense variant does not alter protein structure/function; Has not been previously published as pathogenic or benign to our knowledge